The following is an entry in ClinVar:

NM_002474.3(MYH11):c.2412-8C>A

Gene: MYH11 (myosin heavy chain 11; minus strand). Cytogenetic location: 16p13.11.
Variant type: single nucleotide variant.
Coding change: c.2412-8C>A on transcript NM_002474.3 (MANE Select); 8 bases into the intron before coding-DNA position 2412, C replaced by A.
Molecular consequence: intron variant.
Genome position (GRCh38, 1-based): chr16:15,745,245, G>T on the plus strand (C>A on the coding strand, the complement: MYH11 is on the minus strand). VCF-style: chr16-15745245-G-T. GRCh37 (hg19) VCF-style: chr16-15839102-G-T.
Other names: c.2433-8C>A (NM_001040114.2, NM_001040113.2); c.2412-8C>A (NM_022844.3).
Identifiers: ClinVar variation 387042 (VCV000387042.4), dbSNP rs200606975, ClinGen allele CA16606894.

ClinVar aggregate classification (germline): Likely benign. Review status: criteria provided, multiple submitters, no conflicts (2 of 4 stars). 2 submissions from 2 submitters: Likely benign (2). Last evaluated 2025-08-04.

Conditions:
Familial thoracic aortic aneurysm and aortic dissection (TAAD). Also called: Thoracic aortic aneurysms and dissections. Identifiers: Orphanet 91387, MedGen C4707243, MONDO:0019625.

gnomAD v4.1: 7 of 1,609,246 alleles (0.00043%); highest among the groups gnomAD compares: South Asian, 0.0011%; no homozygotes.

Submissions (2):

Color Diagnostics, LLC DBA Color Health
Classification: Likely benign for Familial thoracic aortic aneurysm and aortic dissection. Last evaluated: 2025-08-04. Review status: criteria provided, single submitter. Criteria: ACMG Guidelines, 2015. Collection method: clinical testing. Allele origin: germline.

GeneDx
Classification: Likely benign. Last evaluated: 2016-06-17. Review status: criteria provided, single submitter. Criteria: GeneDx Variant Classification (06012015). Collection method: clinical testing. Allele origin: germline. Affected: yes.
Comment: This variant is considered likely benign or benign based on one or more of the following criteria: it is a conservative change, it occurs at a poorly conserved position in the protein, it is predicted to be benign by multiple in silico algorithms, and/or has population frequency not consistent with disease.